The following is an entry in ClinVar:

NM_000069.3(CACNA1S):c.665T>A (p.Met222Lys)

Gene: CACNA1S (calcium voltage-gated channel subunit alpha1 S; minus strand). Cytogenetic location: 1q32.1.
Variant type: single nucleotide variant.
Coding change: c.665T>A on transcript NM_000069.3 (MANE Select); coding-DNA position 665, T replaced by A.
Protein change: p.Met222Lys; replaces methionine 222 with lysine.
Molecular consequence: missense variant.
Genome position (GRCh38, 1-based): chr1:201,091,669, A>T on the plus strand (T>A on the coding strand, the complement: CACNA1S is on the minus strand). VCF-style: chr1-201091669-A-T. GRCh37 (hg19) VCF-style: chr1-201060797-A-T.
Other names: short protein forms M222K.
Identifiers: ClinVar variation 656992 (VCV000656992.14), dbSNP rs1287586310, ClinGen allele CA344139452.

ClinVar aggregate classification (germline): Uncertain significance. Review status: criteria provided, multiple submitters, no conflicts (2 of 4 stars). 8 submissions from 5 submitters: Uncertain significance (7). 1 of the submissions does not count toward it. Last evaluated 2026-01-14.

Conditions:
Congenital myopathy 18. Also called: DIHYDROPYRIDINE RECEPTOR CONGENITAL MYOPATHY; DHPR CONGENITAL MYOPATHY; Myopathy, congenital, due to dihydropyridine receptor defect. Identifiers: MedGen C5830283, MONDO:0859514, OMIM 620246.
Malignant hyperthermia, susceptibility to, 5 (MHS5). Also called: CACNA1S-Related Malignant Hyperthermia Susceptibility. Identifiers: Orphanet 423, MedGen C1866077, MONDO:0011163, OMIM 601887.
Hypokalemic periodic paralysis, type 1. Also called: HypoPP; Hypokalemic Periodic Paralysis Type 1 (AD). Identifiers: Orphanet 681, MedGen C3714580, MONDO:0042979, OMIM 170400.
Thyrotoxic periodic paralysis, susceptibility to, 1 (TTPP1). Identifiers: Orphanet 79102, MedGen C2749982, MONDO:0008570, OMIM 188580.

Allele frequency attached by ClinVar (database versions not stated): gnomAD exomes 0.00002; TOPMed 0.00002; gnomAD 0.00003.
gnomAD v4.1: 37 of 1,614,110 alleles (0.0023%); highest among the groups gnomAD compares: Non-Finnish European, 0.0031%; no homozygotes.

Submissions (8):

Labcorp Genetics (formerly Invitae), Labcorp
Classification: Uncertain significance for Hypokalemic periodic paralysis, type 1; Malignant hyperthermia, susceptibility to, 5. Last evaluated: 2026-01-14. Review status: criteria provided, single submitter. Criteria: Invitae Variant Classification Sherloc (09022015). Collection method: clinical testing. Allele origin: germline.
Comment: This sequence change replaces methionine, which is neutral and non-polar, with lysine, which is basic and polar, at codon 222 of the CACNA1S protein (p.Met222Lys). This variant is not present in population databases (gnomAD no frequency). This missense change has been observed in individual(s) with clinical features of congenital myopathy (PMID: 33060286). It has also been observed to segregate with disease in related individuals. ClinVar contains an entry for this variant (Variation ID: 656992). Invitae Evidence Modeling of protein sequence and biophysical properties (such as structural, functional, and spatial information, amino acid conservation, physicochemical variation, residue mobility, and thermodynamic stability) indicates that this missense variant is not expected to disrupt CACNA1S protein function with a negative predictive value of 95%. In summary, the available evidence is currently insufficient to determine the role of this variant in disease. Therefore, it has been classified as a Variant of Uncertain Significance.

Women's Health and Genetics/Laboratory Corporation of America, LabCorp
Classification: Uncertain significance. Last evaluated: 2025-10-21. Review status: criteria provided, single submitter. Criteria: LabCorp Variant Classification Summary - May 2015. Collection method: clinical testing. Allele origin: germline.
Comment: Variant summary: CACNA1S c.665T>A (p.Met222Lys) results in a non-conservative amino acid change in the encoded protein sequence. Algorithms developed to predict the effect of missense changes on protein structure and function all suggest that this variant is likely to be disruptive. The variant was absent in 251488 control chromosomes (gnomAD). The available data on variant occurrences in the general population are insufficient to allow any conclusion about variant significance. c.665T>A has been observed in individuals affected with distal arthrogryposis or fetal akinesia (Beecroft_2020, Ravenscroft_2020). These reports do not provide unequivocal conclusions about association of the variant with Congenital Myopathy 18-AR. To our knowledge, no experimental evidence demonstrating an impact on protein function has been reported. The following publications have been ascertained in the context of this evaluation (PMID: 32153140, 33060286). ClinVar contains an entry for this variant (Variation ID: 656992). Based on the evidence outlined above, the variant was classified as uncertain significance.

Genome-Nilou Lab
Classification: Uncertain significance for Malignant hyperthermia, susceptibility to, 5. Last evaluated: 2023-04-11. Review status: criteria provided, single submitter. Criteria: ACMG Guidelines, 2015. Collection method: clinical testing. Allele origin: germline. Affected: no.

Genome-Nilou Lab
Classification: Uncertain significance for Thyrotoxic periodic paralysis, susceptibility to, 1. Last evaluated: 2023-04-11. Review status: criteria provided, single submitter. Criteria: ACMG Guidelines, 2015. Collection method: clinical testing. Allele origin: germline. Affected: no.

Genome-Nilou Lab
Classification: Uncertain significance for Congenital myopathy 18. Last evaluated: 2023-04-11. Review status: criteria provided, single submitter. Criteria: ACMG Guidelines, 2015. Collection method: clinical testing. Allele origin: germline. Affected: no.

Genome-Nilou Lab
Classification: Uncertain significance for Hypokalemic periodic paralysis, type 1. Last evaluated: 2023-04-11. Review status: criteria provided, single submitter. Criteria: ACMG Guidelines, 2015. Collection method: clinical testing. Allele origin: germline. Affected: no.

GeneDx
Classification: Uncertain significance. Last evaluated: 2019-07-24. Review status: criteria provided, single submitter. Criteria: GeneDx Variant Classification Process June 2021. Collection method: clinical testing. Allele origin: germline. Affected: yes.
Comment: Not observed in large population cohorts (Lek et al., 2016); In silico analysis, which includes protein predictors and evolutionary conservation, supports a deleterious effect; Has not been previously published as pathogenic or benign to our knowledge

OMIM
Classification: Pathogenic for CONGENITAL MYOPATHY 18, AUTOSOMAL RECESSIVE. Last evaluated: 2024-07-16. Review status: no assertion criteria provided. Collection method: literature only. Allele origin: germline. Not counted in ClinVar's aggregate classification.

Literature cited by the submitters: PubMed 33060286 (cited by 3 submitters); PubMed 32153140 (cited by Women's Health and Genetics/Laboratory Corporation of America, LabCorp).